The following is an entry in ClinVar:

ClinVar aggregate classification (germline): Likely benign. Review status: criteria provided, multiple submitters, no conflicts (2 of 4 stars). 2 submissions from 2 submitters: Likely benign (2). Last evaluated 2025-10-01.

Conditions:
3-methylcrotonyl-CoA carboxylase 1 deficiency (MCC1D). Also called: MCC 1 deficiency; 3 Alpha methylcrotonylglycinuria 1; MCCD TYPE 1; METHYLCROTONYLGLYCINURIA TYPE I. Identifiers: Orphanet 6, MedGen CN028786, MONDO:0008861, OMIM 210200.

Allele frequency attached by ClinVar (database versions not stated): gnomAD 0.00001; gnomAD exomes 0.00001 and below 0.00001; ExAC 0.00002.
gnomAD v4.1: 7 of 1,614,004 alleles (0.00043%); highest among the groups gnomAD compares: Middle Eastern, 0.016%; no homozygotes.

Submissions (2):

CeGaT Center for Human Genetics Tuebingen
Classification: Likely benign. Last evaluated: 2025-10-01. Review status: criteria provided, single submitter. Criteria: CeGaT Center For Human Genetics Tuebingen Variant Classification Criteria Version 2. Collection method: clinical testing. Allele origin: germline. Affected: yes. Observed: 1 variant allele.
Comment: MCCC1: BP4, BP7

Labcorp Genetics (formerly Invitae), Labcorp
Classification: Likely benign for 3-methylcrotonyl-CoA carboxylase 1 deficiency. Last evaluated: 2023-10-26. Review status: criteria provided, single submitter. Criteria: Invitae Variant Classification Sherloc (09022015). Collection method: clinical testing. Allele origin: germline.

NM_020166.5(MCCC1):c.1827G>A (p.Ala609=)

Gene: MCCC1 (methylcrotonyl-CoA carboxylase subunit 1; minus strand). Cytogenetic location: 3q27.1.
Variant type: single nucleotide variant.
Coding change: c.1827G>A on transcript NM_020166.5 (MANE Select); coding-DNA position 1827, G replaced by A.
Protein change: p.Ala609=; no amino-acid change (alanine 609 retained).
Molecular consequence: synonymous variant. On other transcripts: non-coding transcript variant (2).
Genome position (GRCh38, 1-based): chr3:183,022,459, C>T on the plus strand (G>A on the coding strand, the complement: MCCC1 is on the minus strand). VCF-style: chr3-183022459-C-T. GRCh37 (hg19) VCF-style: chr3-182740247-C-T.
Other names: c.1476G>A, p.Ala492= (NM_001293273.2); c.1500G>A, p.Ala500= (NM_001363880.1).
Identifiers: ClinVar variation 1118719 (VCV001118719.15), dbSNP rs769042107, ClinGen allele CA2718639.